The following is an entry in ClinVar:

NM_017763.6(RNF43):c.982C>T (p.Pro328Ser)

Gene: RNF43 (ring finger protein 43; minus strand). Cytogenetic location: 17q22.
Variant type: single nucleotide variant.
Coding change: c.982C>T on transcript NM_017763.6 (MANE Select); coding-DNA position 982, C replaced by T.
Protein change: p.Pro328Ser; replaces proline 328 with serine.
Molecular consequence: missense variant.
Genome position (GRCh38, 1-based): chr17:58,358,794, G>A on the plus strand (C>T on the coding strand, the complement: RNF43 is on the minus strand). VCF-style: chr17-58358794-G-A. GRCh37 (hg19) VCF-style: chr17-56436155-G-A.
Other names: c.982C>T, p.Pro328Ser (NM_001305544.3); c.601C>T, p.Pro201Ser (NM_001305545.2); short protein forms P201S, P328S.
Identifiers: ClinVar variation 3371429 (VCV003371429.1).

ClinVar aggregate classification (germline): Uncertain significance (1 of 4 stars; one submission).

gnomAD v4.1: 1 of 1,533,272 alleles (0.000065%); highest among the groups gnomAD compares: East Asian, 0.0024%; no homozygotes.

Submission:

GeneDx
Classification: Uncertain significance. Last evaluated: 2024-03-27. Review status: criteria provided, single submitter. Criteria: GeneDx Variant Classification Process June 2021. Collection method: clinical testing. Allele origin: germline. Affected: yes.
Comment: Not observed at significant frequency in large population cohorts (gnomAD); In silico analysis supports that this missense variant does not alter protein structure/function; Has not been previously published as pathogenic or benign to our knowledge; Variants in candidate genes are classified as variants of uncertain significance in accordance with ACMG guidelines (PMID: 25741868)